The following is an entry in ClinVar:

NM_001148.6(ANK2):c.1849G>A (p.Glu617Lys)

Gene: ANK2 (ankyrin 2; plus strand). Cytogenetic location: 4q26.
Variant type: single nucleotide variant.
Coding change: c.1849G>A on transcript NM_001148.6 (MANE Select); coding-DNA position 1849, G replaced by A.
Protein change: p.Glu617Lys; replaces glutamic acid 617 with lysine.
Molecular consequence: missense variant. On other transcripts: intron variant (10).
Genome position (GRCh38, 1-based): chr4:113,278,526, G>A. VCF-style: chr4-113278526-G-A. GRCh37 (hg19) VCF-style: chr4-114199682-G-A.
Other names: c.1786G>A, p.Glu596Lys (NM_001127493.3, NM_001354239.2, NM_001354243.2 and 10 more transcripts); c.1849G>A, p.Glu617Lys (NM_001354225.2, NM_001354228.2, NM_001354232.2 and 6 more transcripts); c.1894G>A, p.Glu632Lys (NM_001354230.2, NM_001354231.2, NM_001354237.2 and 5 more transcripts); c.1762G>A, p.Glu588Lys (NM_001354249.2, NM_001354264.2, NM_001354266.2 and 10 more transcripts); c.1807G>A, p.Glu603Lys (NM_001354261.2, NM_001386147.1, NM_001386160.1); c.1639G>A, p.Glu547Lys (NM_001354269.3); c.1651G>A, p.Glu551Lys (NM_001354273.2); c.1564G>A, p.Glu522Lys (NM_001354277.2, NM_001386157.1); and 8 more; short protein forms E522K, E547K, E551K, E588K, E596K, E603K, E605K, E613K.
Identifiers: ClinVar variation 4072760 (VCV004072760.1).

ClinVar aggregate classification (germline): Uncertain significance (1 of 4 stars; one submission).

gnomAD v4.1: 3 of 1,613,972 alleles (0.00019%); highest among the groups gnomAD compares: Non-Finnish European, 0.00025%; no homozygotes.

Submission:

GeneDx
Classification: Uncertain significance. Last evaluated: 2025-02-02. Review status: criteria provided, single submitter. Criteria: GeneDx Variant Classification Process June 2021. Collection method: clinical testing. Allele origin: germline. Affected: yes.
Comment: Not observed at significant frequency in large population cohorts (gnomAD); In silico analysis supports that this missense variant has a deleterious effect on protein structure/function; Has not been previously published as pathogenic or benign to our knowledge